The following is an entry in ClinVar:

NM_014727.3(KMT2B):c.3495C>T (p.Pro1165=)

Gene: KMT2B (lysine methyltransferase 2B; plus strand). Cytogenetic location: 19q13.12.
Variant type: single nucleotide variant.
Coding change: c.3495C>T on transcript NM_014727.3 (MANE Select); coding-DNA position 3495, C replaced by T.
Protein change: p.Pro1165=; no amino-acid change (proline 1165 retained).
Molecular consequence: synonymous variant.
Genome position (GRCh38, 1-based): chr19:35,725,054, C>T. VCF-style: chr19-35725054-C-T. GRCh37 (hg19) VCF-style: chr19-36215955-C-T.
Identifiers: ClinVar variation 4708353 (VCV004708353.2).

ClinVar aggregate classification (germline): Benign/Likely benign. Review status: criteria provided, multiple submitters, no conflicts (2 of 4 stars). 2 submissions from 2 submitters: Benign (1); Likely benign (1). Last evaluated 2026-05-08.

Submissions (2):

Women's Health and Genetics/Laboratory Corporation of America, LabCorp
Classification: Likely benign. Last evaluated: 2026-05-08. Review status: criteria provided, single submitter. Criteria: LabCorp Variant Classification Summary - May 2015. Collection method: clinical testing. Allele origin: germline.
Comment: Variant summary: KMT2B c.3495C>T alters a conserved nucleotide resulting in a synonymous change. Consensus agreement among computation tools predict no significant impact on normal splicing. However, these predictions have yet to be confirmed by functional studies. The variant allele was found at a frequency of 8e-06 in 249200 control chromosomes. The available data on variant occurrences in the general population are insufficient to allow any conclusion about variant significance. To our knowledge, no occurrence of c.3495C>T in individuals affected with KMT2B-related conditions and no experimental evidence demonstrating its impact on protein function have been reported. ClinVar contains an entry for this variant (Variation ID: 4708353). Based on the evidence outlined above, the variant was classified as likely benign.

Labcorp Genetics (formerly Invitae), Labcorp
Classification: Benign. Last evaluated: 2025-04-30. Review status: criteria provided, single submitter. Criteria: Invitae Variant Classification Sherloc (09022015). Collection method: clinical testing. Allele origin: germline.